The following is an entry in ClinVar:

ClinVar aggregate classification (germline): Uncertain significance (1 of 4 stars; one submission).

Conditions:
Inborn genetic diseases. Identifiers: MedGen C0950123, MeSH D030342.

Submission:

Ambry Genetics
Classification: Uncertain significance for Inborn genetic diseases. Last evaluated: 2025-12-02. Review status: criteria provided, single submitter. Criteria: Ambry Variant Classification Scheme 2023. Collection method: clinical testing. Allele origin: germline.
Comment: The c.614C>G (p.T205R) alteration is located in exon 5 (coding exon 4) of the MYH14 gene. This alteration results from a C to G substitution at nucleotide position 614, causing the threonine (T) at amino acid position 205 to be replaced by an arginine (R). Based on data from gnomAD, the G allele has an overall frequency of <0.001% (0/243548) total alleles studied. The highest observed frequency was <0.001% (/) of alleles. Based on insufficient or conflicting evidence, the clinical significance of this alteration remains unclear.

NM_001145809.2(MYH14):c.614C>G (p.Thr205Arg)

Gene: MYH14 (myosin heavy chain 14; plus strand). Cytogenetic location: 19q13.33.
Variant type: single nucleotide variant.
Coding change: c.614C>G on transcript NM_001145809.2 (MANE Select); coding-DNA position 614, C replaced by G.
Protein change: p.Thr205Arg; replaces threonine 205 with arginine.
Molecular consequence: missense variant.
Genome position (GRCh38, 1-based): chr19:50,223,270, C>G. VCF-style: chr19-50223270-C-G. GRCh37 (hg19) VCF-style: chr19-50726527-C-G.
Other names: c.614C>G, p.Thr205Arg (NM_001077186.2, NM_024729.4); short protein forms T205R.
Identifiers: ClinVar variation 4625429 (VCV004625429.1).